The following is an entry in ClinVar:

NM_000117.3(EMD):c.123C>A (p.Tyr41Ter)

Gene: EMD (emerin; plus strand). Cytogenetic location: Xq28.
Variant type: single nucleotide variant.
Coding change: c.123C>A on transcript NM_000117.3 (MANE Select); coding-DNA position 123, C replaced by A.
Protein change: p.Tyr41Ter; replaces tyrosine 41 with a stop codon.
Molecular consequence: nonsense.
Genome position (GRCh38, 1-based): chrX:154,379,730, C>A. VCF-style: chrX-154379730-C-A. GRCh37 (hg19) VCF-style: chrX-153608090-C-A.
Other names: short protein forms Y41*.
Identifiers: ClinVar variation 409877 (VCV000409877.7), dbSNP rs1060502612, ClinGen allele CA16616634.

ClinVar aggregate classification (germline): Pathogenic (1 of 4 stars; one submission).

Conditions:
X-linked Emery-Dreifuss muscular dystrophy. Also called: Muscular dystrophy, tardive Emery-Dreifuss type, with contractures. Identifiers: Orphanet 261, Orphanet 98863, MedGen C0751337, MONDO:0010680.

Submission:

Labcorp Genetics (formerly Invitae), Labcorp
Classification: Pathogenic for X-linked Emery-Dreifuss muscular dystrophy. Last evaluated: 2022-03-03. Review status: criteria provided, single submitter. Criteria: Invitae Variant Classification Sherloc (09022015). Collection method: clinical testing. Allele origin: germline.
Comment: For these reasons, this variant has been classified as Pathogenic. Algorithms developed to predict the effect of sequence changes on RNA splicing suggest that this variant may create or strengthen a splice site. ClinVar contains an entry for this variant (Variation ID: 409877). This variant has not been reported in the literature in individuals affected with EMD-related conditions. This variant is not present in population databases (gnomAD no frequency). This sequence change creates a premature translational stop signal (p.Tyr41*) in the EMD gene. It is expected to result in an absent or disrupted protein product. Loss-of-function variants in EMD are known to be pathogenic (PMID: 24365856).

Literature cited by the submitters: PubMed 24365856.